The following is an entry in ClinVar:

NM_006158.5(NEFL):c.139G>T (p.Val47Leu)

Gene: NEFL (neurofilament light chain; minus strand). Cytogenetic location: 8p21.2.
Variant type: single nucleotide variant.
Coding change: c.139G>T on transcript NM_006158.5 (MANE Select); coding-DNA position 139, G replaced by T.
Protein change: p.Val47Leu; replaces valine 47 with leucine.
Molecular consequence: missense variant.
Genome position (GRCh38, 1-based): chr8:24,956,377, C>A on the plus strand (G>T on the coding strand, the complement: NEFL is on the minus strand). VCF-style: chr8-24956377-C-A. GRCh37 (hg19) VCF-style: chr8-24813891-C-A.
Other names: short protein forms V47L.
Identifiers: ClinVar variation 2260002 (VCV002260002.7), dbSNP rs761972094, ClinGen allele CA4681547.

ClinVar aggregate classification (germline): Uncertain significance. Review status: criteria provided, multiple submitters, no conflicts (2 of 4 stars). 3 submissions from 3 submitters: Uncertain significance (3). Last evaluated 2024-02-22.

Conditions:
Inborn genetic diseases. Identifiers: MedGen C0950123, MeSH D030342.
Charcot-Marie-Tooth disease type 2E (CMT2E). Also called: CHARCOT-MARIE-TOOTH DISEASE, AXONAL, TYPE 2E; CHARCOT-MARIE-TOOTH NEUROPATHY, TYPE 2E. Identifiers: Orphanet 99939, MedGen C1843225, MONDO:0011894, OMIM 607684.

Allele frequency attached by ClinVar (database versions not stated): ExAC 0.00001; gnomAD exomes 0.00001; TOPMed 0.00003.

Submissions (3):

Labcorp Genetics (formerly Invitae), Labcorp
Classification: Uncertain significance for Charcot-Marie-Tooth disease type 2E. Last evaluated: 2024-02-22. Review status: criteria provided, single submitter. Criteria: Invitae Variant Classification Sherloc (09022015). Collection method: clinical testing. Allele origin: germline.
Comment: This sequence change replaces valine, which is neutral and non-polar, with leucine, which is neutral and non-polar, at codon 47 of the NEFL protein (p.Val47Leu). The frequency data for this variant in the population databases is considered unreliable, as metrics indicate poor data quality at this position in the gnomAD database. This variant has not been reported in the literature in individuals affected with NEFL-related conditions. ClinVar contains an entry for this variant (Variation ID: 2260002). Advanced modeling of protein sequence and biophysical properties (such as structural, functional, and spatial information, amino acid conservation, physicochemical variation, residue mobility, and thermodynamic stability) performed at Invitae indicates that this missense variant is not expected to disrupt NEFL protein function with a negative predictive value of 80%. In summary, the available evidence is currently insufficient to determine the role of this variant in disease. Therefore, it has been classified as a Variant of Uncertain Significance.

Revvity Omics, Revvity
Classification: Uncertain significance. Last evaluated: 2023-12-05. Review status: criteria provided, single submitter. Criteria: ACMG Guidelines, 2015. Collection method: clinical testing. Allele origin: germline.

Ambry Genetics
Classification: Uncertain significance for Inborn genetic diseases. Last evaluated: 2021-11-09. Review status: criteria provided, single submitter. Criteria: Ambry Variant Classification Scheme 2023. Collection method: clinical testing. Allele origin: germline.